The following is an entry in ClinVar:

NM_004260.4(RECQL4):c.1646A>G (p.Lys549Arg)

Gene: RECQL4 (RecQ like helicase 4; minus strand). Cytogenetic location: 8q24.3.
Variant type: single nucleotide variant.
Coding change: c.1646A>G on transcript NM_004260.4 (MANE Select); coding-DNA position 1646, A replaced by G.
Protein change: p.Lys549Arg; replaces lysine 549 with arginine.
Molecular consequence: missense variant.
Genome position (GRCh38, 1-based): chr8:144,514,500, T>C on the plus strand (A>G on the coding strand, the complement: RECQL4 is on the minus strand). VCF-style: chr8-144514500-T-C. GRCh37 (hg19) VCF-style: chr8-145739884-T-C.
Other names: c.1646A>G (NM_004260.3); short protein forms K549R.
Identifiers: ClinVar variation 1401340 (VCV001401340.8), dbSNP rs1827862355, ClinGen allele CA372683018.

ClinVar aggregate classification (germline): Uncertain significance. Review status: criteria provided, multiple submitters, no conflicts (2 of 4 stars). 2 submissions from 2 submitters: Uncertain significance (2). Last evaluated 2025-03-22.

Conditions:
Baller-Gerold syndrome (BGS). Also called: CRANIOSYNOSTOSIS WITH RADIAL DEFECTS. Identifiers: Orphanet 1225, MedGen C0265308, MONDO:0009039, OMIM 218600.
Inborn genetic diseases. Identifiers: MedGen C0950123, MeSH D030342.

Allele frequency attached by ClinVar (database versions not stated): gnomAD exomes below 0.00001; TOPMed below 0.00001.

Submissions (2):

Ambry Genetics
Classification: Uncertain significance for Inborn genetic diseases. Last evaluated: 2025-03-22. Review status: criteria provided, single submitter. Criteria: Ambry Variant Classification Scheme 2023. Collection method: clinical testing. Allele origin: germline.
Comment: The p.K549R variant (also known as c.1646A>G), located in coding exon 10 of the RECQL4 gene, results from an A to G substitution at nucleotide position 1646. The lysine at codon 549 is replaced by arginine, an amino acid with highly similar properties. This amino acid position is conserved. In addition, the in silico prediction for this alteration is inconclusive. Based on the available evidence, the clinical significance of this variant remains unclear.

Labcorp Genetics (formerly Invitae), Labcorp
Classification: Uncertain significance for Baller-Gerold syndrome. Last evaluated: 2022-10-16. Review status: criteria provided, single submitter. Criteria: Invitae Variant Classification Sherloc (09022015). Collection method: clinical testing. Allele origin: germline.
Comment: Advanced modeling of protein sequence and biophysical properties (such as structural, functional, and spatial information, amino acid conservation, physicochemical variation, residue mobility, and thermodynamic stability) performed at Invitae indicates that this missense variant is not expected to disrupt RECQL4 protein function. In summary, the available evidence is currently insufficient to determine the role of this variant in disease. Therefore, it has been classified as a Variant of Uncertain Significance. ClinVar contains an entry for this variant (Variation ID: 1401340). This sequence change replaces lysine, which is basic and polar, with arginine, which is basic and polar, at codon 549 of the RECQL4 protein (p.Lys549Arg). This variant is not present in population databases (gnomAD no frequency). This variant has not been reported in the literature in individuals affected with RECQL4-related conditions.